The following is an entry in ClinVar:

ClinVar aggregate classification (germline): Pathogenic (1 of 4 stars; one submission).

Submission:

CeGaT Center for Human Genetics Tuebingen
Classification: Pathogenic. Last evaluated: 2026-07-01. Review status: criteria provided, single submitter. Criteria: CeGaT Center For Human Genetics Tuebingen Variant Classification Criteria Version 2. Collection method: clinical testing. Allele origin: germline. Affected: yes. Observed: 1 variant allele.
Comment: DMD: PVS1, PM2

NM_004006.3(DMD):c.5047del (p.Thr1683fs)

Gene: DMD (dystrophin; minus strand). Cytogenetic location: Xp21.1.
Variant type: Deletion.
Coding change: c.5047del on transcript NM_004006.3 (MANE Select); coding-DNA position 5047, one base deleted (A; older notation c.5047delA).
Protein change: p.Thr1683fs; shifts the reading frame from threonine 1683.
Molecular consequence: frameshift variant.
Genome position (GRCh38, 1-based): chrX:32,364,689, T deleted on the plus strand (A on the coding strand, the reverse complement: DMD is on the minus strand); the first of 3 consecutive T bases (chrX:32,364,689-32,364,691); deleting any one gives the same sequence. VCF-style (leftmost placement, unchanged base first): chrX-32364688-GT-G. GRCh37 (hg19) VCF-style: chrX-32382805-GT-G.
Other names: c.5035del, p.Thr1679fs (NM_004009.3); c.4678del, p.Thr1560fs (NM_004010.3); c.1024del, p.Thr342fs (NM_004011.4); c.1015del, p.Thr339fs (NM_004012.4); c.5023del, p.Thr1675fs (NM_000109.4); short protein forms T1560fs, T1675fs, T1679fs, T1683fs, T339fs, T342fs.
Identifiers: ClinVar variation 5040089 (VCV005040089.1).